The following is an entry in ClinVar:

NM_000088.4(COL1A1):c.646C>A (p.Pro216Thr)

Gene: COL1A1 (collagen type I alpha 1 chain; minus strand). Cytogenetic location: 17q21.33.
Variant type: single nucleotide variant.
Coding change: c.646C>A on transcript NM_000088.4 (MANE Select); coding-DNA position 646, C replaced by A.
Protein change: p.Pro216Thr; replaces proline 216 with threonine.
Molecular consequence: missense variant.
Genome position (GRCh38, 1-based): chr17:50,197,782, G>T on the plus strand (C>A on the coding strand, the complement: COL1A1 is on the minus strand). VCF-style: chr17-50197782-G-T. GRCh37 (hg19) VCF-style: chr17-48275143-G-T.
Other names: short protein forms P216T.
Identifiers: ClinVar variation 1310225 (VCV001310225.3), dbSNP rs766891244, ClinGen allele CA8645603.

ClinVar aggregate classification (germline): Uncertain significance. Review status: criteria provided, multiple submitters, no conflicts (2 of 4 stars). 2 submissions from 2 submitters: Uncertain significance (2). Last evaluated 2023-11-27.

Conditions:
Ehlers-Danlos syndrome, arthrochalasia type. Also called: ARTHROCHALASIS MULTIPLEX CONGENITA; EDS VII, MUTANT PROCOLLAGEN TYPE; EDS VIIA; Ehlers-Danlos syndrome, arthrochalasis type; Ehlers-Danlos syndrome, arthrochalasia type, 1. Identifiers: Orphanet 1899, Orphanet 99875, Orphanet 99876, MedGen C4551623, MONDO:0007525, OMIM 130060.

Allele frequency attached by ClinVar (database versions not stated): gnomAD exomes below 0.00001; ExAC 0.00001.
gnomAD v4.1: 1 of 1,609,114 alleles (0.000062%); highest among the groups gnomAD compares: East Asian, 0.0022%; no homozygotes.

Submissions (2):

Clinical Genomics Laboratory, Washington University in St. Louis
Classification: Uncertain significance for Ehlers-Danlos syndrome, arthrochalasia type. Last evaluated: 2023-11-27. Review status: criteria provided, single submitter. Criteria: ACMG Guidelines, 2015. Collection method: clinical testing. Allele origin: germline. Affected: yes.
Comment: The COL1A1 c.646C>A (p.Pro216Thr) variant, to our knowledge, has not been reported in the medical literature but has been reported in the ClinVar database as a germline variant of uncertain significance by one submitter. This variant is only observed on 1/246,522 alleles in the general population (gnomAD v.2.1.1), indicating it is not a common variant. This variant occurs in a Gly-X-Y repeat in a glycine triple helix domain, with this alteration occurring in the X amino acid and computational predictors indicate that the variant is damaging, evidence that correlates with impact to COL1A1 function. Additionally, this variant occurs in a region that is depleted of common variation in the gnomAD database and enriched for pathogenic variation (Perviewer; P√©rez-Palma E et al., PMID: 31871067). Due to limited information, and based on ACMG/AMP guidelines for variant interpretation (Richards S et al., PMID: 25741868), the clinical significance of this variant is uncertain at this time.

GeneDx
Classification: Uncertain significance. Last evaluated: 2019-11-08. Review status: criteria provided, single submitter. Criteria: GeneDx Variant Classification Process June 2021. Collection method: clinical testing. Allele origin: germline. Affected: yes.
Comment: Has not been previously published as pathogenic or benign to our knowledge; Not observed at a significant frequency in large population cohorts (Lek et al., 2016); In silico analysis, which includes protein predictors and evolutionary conservation, supports a deleterious effect; Occurs in the triple helical domain at the X position in the canonical Gly-X-Y repeat; although this variant may have an effect on normal protein folding and function, missense substitution at the X position is not a common mechanism of disease (Stenson et al., 2014)